The following is an entry in ClinVar:

ClinVar aggregate classification (germline): Uncertain significance. Review status: criteria provided, multiple submitters, no conflicts (2 of 4 stars). 2 submissions from 2 submitters: Uncertain significance (2). Last evaluated 2025-09-10.

Conditions:
Inborn genetic diseases. Identifiers: MedGen C0950123, MeSH D030342.

Allele frequency attached by ClinVar (database versions not stated): gnomAD exomes below 0.00001.
gnomAD v4.1: 2 of 1,551,756 alleles (0.00013%); highest among the groups gnomAD compares: Middle Eastern, 0.017%; no homozygotes.

Submissions (2):

Ambry Genetics
Classification: Uncertain significance for Inborn genetic diseases. Last evaluated: 2025-09-10. Review status: criteria provided, single submitter. Criteria: Ambry Variant Classification Scheme 2023. Collection method: clinical testing. Allele origin: germline.

Labcorp Genetics (formerly Invitae), Labcorp
Classification: Uncertain significance. Last evaluated: 2022-07-26. Review status: criteria provided, single submitter. Criteria: Invitae Variant Classification Sherloc (09022015). Collection method: clinical testing. Allele origin: germline.
Comment: In summary, the available evidence is currently insufficient to determine the role of this variant in disease. Therefore, it has been classified as a Variant of Uncertain Significance. Algorithms developed to predict the effect of missense changes on protein structure and function are either unavailable or do not agree on the potential impact of this missense change (SIFT: "Not Available"; PolyPhen-2: "Possibly Damaging"; Align-GVGD: "Not Available"). ClinVar contains an entry for this variant (Variation ID: 1432573). This variant has not been reported in the literature in individuals affected with UNC45A-related conditions. This variant is not present in population databases (gnomAD no frequency). This sequence change replaces alanine, which is neutral and non-polar, with threonine, which is neutral and polar, at codon 711 of the UNC45A protein (p.Ala711Thr).

NM_018671.5(UNC45A):c.2131G>A (p.Ala711Thr)

Gene: UNC45A (unc-45 myosin chaperone A; plus strand). Cytogenetic location: 15q26.1.
Variant type: single nucleotide variant.
Coding change: c.2131G>A on transcript NM_018671.5 (MANE Select); coding-DNA position 2131, G replaced by A.
Protein change: p.Ala711Thr; replaces alanine 711 with threonine.
Molecular consequence: missense variant.
Genome position (GRCh38, 1-based): chr15:90,950,211, G>A. VCF-style: chr15-90950211-G-A. GRCh37 (hg19) VCF-style: chr15-91493441-G-A.
Other names: c.2086G>A, p.Ala696Thr (NM_001039675.2, NM_001323621.2); c.2131G>A, p.Ala711Thr (NM_001323619.1); c.2131G>A (NM_018671.3); c.1696G>A, p.Ala566Thr (NM_001323620.2); short protein forms A711T, A566T, A696T.
Identifiers: ClinVar variation 1432573 (VCV001432573.9), dbSNP rs1428950626, ClinGen allele CA393860582.